The following is an entry in ClinVar:

ClinVar aggregate classification (germline): Benign. Review status: criteria provided, multiple submitters, no conflicts (2 of 4 stars). 3 submissions from 3 submitters: Benign (3). Last evaluated 2025-09-08.

Conditions:
Cataract 9 multiple types. Also called: Cataract 9, multiple types, with or without microcornea; Cataract, autosomal recessive congenital 1. Identifiers: Orphanet 1377, MedGen C1858679, MONDO:0011413, OMIM 604219.

Allele frequency attached by ClinVar (database versions not stated): gnomAD exomes 0.00084; ExAC 0.00108; ESP Exome Variant Server 0.00354; gnomAD 0.00399; 1000 Genomes Project 0.00439.

Submissions (3):

Labcorp Genetics (formerly Invitae), Labcorp
Classification: Benign for Cataract 9 multiple types. Last evaluated: 2025-09-08. Review status: criteria provided, single submitter. Criteria: Invitae Variant Classification Sherloc (09022015). Collection method: clinical testing. Allele origin: germline.

Illumina Laboratory Services, Illumina
Classification: Benign for Cataract 9 multiple types. Last evaluated: 2018-01-12. Review status: criteria provided, single submitter. Criteria: ICSL Variant Classification Criteria 13 December 2019. Collection method: clinical testing. Allele origin: germline.
Comment: This variant was observed in the ICSL laboratory as part of a predisposition screen in an ostensibly healthy population. It had not been previously curated by ICSL or reported in the Human Gene Mutation Database (HGMD: prior to June 1st, 2018), and was therefore a candidate for classification through an automated scoring system. Utilizing variant allele frequency, disease prevalence and penetrance estimates, and inheritance mode, an automated score was calculated to assess if this variant is too frequent to cause the disease. Based on the score and internal cut-off values, a variant classified as benign is not then subjected to further curation. The score for this variant resulted in a classification of benign for this disease.

Breakthrough Genomics
Classification: Benign. Review status: criteria provided, single submitter. Criteria: ACMG Guidelines, 2015. Collection method: not provided. Allele origin: germline. Inheritance: Autosomal dominant inheritance. Affected: yes.

NM_000394.4(CRYAA):c.324C>T (p.Gly108=)

Gene: CRYAA (crystallin alpha A; plus strand). Cytogenetic location: 21q22.3.
Variant type: single nucleotide variant.
Coding change: c.324C>T on transcript NM_000394.4 (MANE Select); coding-DNA position 324, C replaced by T.
Protein change: p.Gly108=; no amino-acid change (glycine 108 retained).
Molecular consequence: synonymous variant.
Genome position (GRCh38, 1-based): chr21:43,172,082, C>T. VCF-style: chr21-43172082-C-T. GRCh37 (hg19) VCF-style: chr21-44592192-C-T.
Other names: c.213C>T, p.Gly71= (NM_001363766.1).
Identifiers: ClinVar variation 534953 (VCV000534953.16), dbSNP rs113802426, ClinGen allele CA321170971.